The following is an entry in ClinVar:

NM_001849.4(COL6A2):c.1559C>A (p.Pro520His)

Gene: COL6A2 (collagen type VI alpha 2 chain; plus strand). Cytogenetic location: 21q22.3.
Variant type: single nucleotide variant.
Coding change: c.1559C>A on transcript NM_001849.4 (MANE Select); coding-DNA position 1559, C replaced by A.
Protein change: p.Pro520His; replaces proline 520 with histidine.
Molecular consequence: missense variant.
Genome position (GRCh38, 1-based): chr21:46,122,145, C>A. VCF-style: chr21-46122145-C-A. GRCh37 (hg19) VCF-style: chr21-47542059-C-A.
Other names: c.1559C>A, p.Pro520His (NM_058174.3, NM_058175.3); short protein forms P520H.
Identifiers: ClinVar variation 835609 (VCV000835609.10), dbSNP rs2078576778, ClinGen allele CA410533819.

ClinVar aggregate classification (germline): Uncertain significance (1 of 4 stars; one submission).

Conditions:
Bethlem myopathy 1A. Also called: MYOPATHY, BENIGN CONGENITAL, WITH CONTRACTURES; Bethlem Muscular Dystrophy; Bethlem myopathy 1. Identifiers: Orphanet 610, MedGen CN029274, MONDO:0024530, OMIM 158810.

Allele frequency attached by ClinVar (database versions not stated): gnomAD exomes below 0.00001.
gnomAD v4.1: 2 of 1,612,678 alleles (0.00012%); highest among the groups gnomAD compares: South Asian, 0.0022%; no homozygotes.

Submission:

Labcorp Genetics (formerly Invitae), Labcorp
Classification: Uncertain significance for Bethlem myopathy 1A. Last evaluated: 2020-02-04. Review status: criteria provided, single submitter. Criteria: Invitae Variant Classification Sherloc (09022015). Collection method: clinical testing. Allele origin: germline.
Comment: In summary, the available evidence is currently insufficient to determine the role of this variant in disease. Therefore, it has been classified as a Variant of Uncertain Significance. Algorithms developed to predict the effect of missense changes on protein structure and function are either unavailable or do not agree on the potential impact of this missense change (SIFT: "Deleterious"; PolyPhen-2: "Probably Damaging"; Align-GVGD: "Class C0"). This variant has not been reported in the literature in individuals with COL6A2-related conditions. This variant is not present in population databases (ExAC no frequency). This sequence change replaces proline with histidine at codon 520 of the COL6A2 protein (p.Pro520His). The proline residue is highly conserved and there is a moderate physicochemical difference between proline and histidine.